The following is an entry in ClinVar:

NM_053025.4(MYLK):c.1651G>A (p.Gly551Arg)

Gene: MYLK (myosin light chain kinase; minus strand). Cytogenetic location: 3q21.1.
Variant type: single nucleotide variant.
Coding change: c.1651G>A on transcript NM_053025.4 (MANE Select); coding-DNA position 1651, G replaced by A.
Protein change: p.Gly551Arg; replaces glycine 551 with arginine.
Molecular consequence: missense variant.
Genome position (GRCh38, 1-based): chr3:123,725,944, C>T on the plus strand (G>A on the coding strand, the complement: MYLK is on the minus strand). VCF-style: chr3-123725944-C-T. GRCh37 (hg19) VCF-style: chr3-123444791-C-T.
Other names: c.1123G>A, p.Gly375Arg (NM_001321309.2); c.1444G>A, p.Gly482Arg (NM_053026.4, NM_053028.4); c.1651G>A, p.Gly551Arg (NM_053027.4); short protein forms G375R, G482R, G551R.
Identifiers: ClinVar variation 1777267 (VCV001777267.7), dbSNP rs1203451404, ClinGen allele CA074342.

ClinVar aggregate classification (germline): Uncertain significance. Review status: criteria provided, multiple submitters, no conflicts (2 of 4 stars). 3 submissions from 3 submitters: Uncertain significance (3). Last evaluated 2025-06-06.

Conditions:
Familial thoracic aortic aneurysm and aortic dissection (TAAD). Also called: Thoracic aortic aneurysms and dissections. Identifiers: Orphanet 91387, MedGen C4707243, MONDO:0019625.
Aortic aneurysm, familial thoracic 7 (AAT7). Also called: AORTIC DISSECTION, FAMILIAL, WITH OR WITHOUT AORTIC ANEURYSM. Identifiers: MedGen C3151077, MONDO:0013418, OMIM 613780.

Allele frequency attached by ClinVar (database versions not stated): gnomAD 0.00001; gnomAD exomes 0.00001; TOPMed 0.00003.
gnomAD v4.1: 11 of 1,613,638 alleles (0.00068%); highest among the groups gnomAD compares: Non-Finnish European, 0.00085%; no homozygotes.

Submissions (3):

Ambry Genetics
Classification: Uncertain significance for Familial thoracic aortic aneurysm and aortic dissection. Last evaluated: 2025-06-06. Review status: criteria provided, single submitter. Criteria: Ambry Variant Classification Scheme 2023. Collection method: clinical testing. Allele origin: germline.
Comment: The p.G551R variant (also known as c.1651G>A), located in coding exon 9 of the MYLK gene, results from a G to A substitution at nucleotide position 1651. The amino acid change results in glycine to arginine at codon 551, an amino acid with dissimilar properties. However, this change occurs in the last base pair of coding exon 9, which makes it likely to have some effect on normal mRNA splicing. This nucleotide position is highly conserved in available vertebrate species. In silico splice site analysis predicts that this alteration will not have any significant effect on splicing. This amino acid position is not well conserved in available vertebrate species. In addition, as a missense substitution this is predicted to be tolerated by in silico analysis. Since supporting evidence is limited at this time, the clinical significance of this alteration remains unclear.

Labcorp Genetics (formerly Invitae), Labcorp
Classification: Uncertain significance for Aortic aneurysm, familial thoracic 7. Last evaluated: 2025-01-05. Review status: criteria provided, single submitter. Criteria: Invitae Variant Classification Sherloc (09022015). Collection method: clinical testing. Allele origin: germline.
Comment: This sequence change replaces glycine, which is neutral and non-polar, with arginine, which is basic and polar, at codon 551 of the MYLK protein (p.Gly551Arg). This variant also falls at the last nucleotide of exon 12, which is part of the consensus splice site for this exon. This variant is not present in population databases (gnomAD no frequency). This variant has not been reported in the literature in individuals affected with MYLK-related conditions. ClinVar contains an entry for this variant (Variation ID: 1777267). An algorithm developed to predict the effect of missense changes on protein structure and function (PolyPhen-2) suggests that this variant is likely to be tolerated. Variants that disrupt the consensus splice site are a relatively common cause of aberrant splicing (PMID: 17576681, 9536098). In summary, the available evidence is currently insufficient to determine the role of this variant in disease. Therefore, it has been classified as a Variant of Uncertain Significance.

GeneDx
Classification: Uncertain significance. Last evaluated: 2022-09-06. Review status: criteria provided, single submitter. Criteria: GeneDx Variant Classification Process June 2021. Collection method: clinical testing. Allele origin: germline. Affected: yes.
Comment: Not observed at significant frequency in large population cohorts (gnomAD); In silico analysis supports that this missense variant does not alter protein structure/function; Has not been previously published as pathogenic or benign to our knowledge

Literature cited by the submitters: PubMed 17576681 (cited by Labcorp Genetics (formerly Invitae), Labcorp); PubMed 9536098 (cited by Labcorp Genetics (formerly Invitae), Labcorp).